The following is an entry in ClinVar:

ClinVar aggregate classification (germline): Uncertain significance. Review status: criteria provided, multiple submitters, no conflicts (2 of 4 stars). 2 submissions from 2 submitters: Uncertain significance (2). Last evaluated 2022-07-06.

Conditions:
Cowden syndrome (CS). Also called: Cowden's disease; Cowden's syndrome; Cowden disease. Identifiers: Orphanet 201, MedGen C0018553, MONDO:0016063. Disease mechanism: gain of function.
Corpus callosum, agenesis of. Also called: Isolated corpus callosum agenesis; Agenesis of the corpus callosum; Corpus callosum agenesis; Mental retardation hypoplastic corpus callosum preauricular tag; Da silva syndrome. Identifiers: Orphanet 200, MedGen C0175754, MONDO:0009022, OMIM 217990, HP:0001274.
Ectopic tissue. Also called: Heterotopia. Identifiers: MedGen C0008519.
Seizure. Also called: Seizures. Identifiers: MedGen C0036572, HP:0001250.
Focal-onset seizure. Also called: Focal seizures. Identifiers: MedGen C0751495, HP:0007359.

gnomAD v4.1: 1 of 1,612,536 alleles (0.000062%); no homozygotes.

Submissions (2):

Labcorp Genetics (formerly Invitae), Labcorp
Classification: Uncertain significance for Cowden syndrome. Last evaluated: 2022-07-06. Review status: criteria provided, single submitter. Criteria: Invitae Variant Classification Sherloc (09022015). Collection method: clinical testing. Allele origin: germline.
Comment: ClinVar contains an entry for this variant (Variation ID: 523491). Algorithms developed to predict the effect of missense changes on protein structure and function are either unavailable or do not agree on the potential impact of this missense change (SIFT: "Deleterious"; PolyPhen-2: "Benign"; Align-GVGD: "Class C55"). In summary, the available evidence is currently insufficient to determine the role of this variant in disease. Therefore, it has been classified as a Variant of Uncertain Significance. This variant has not been reported in the literature in individuals affected with PIK3CA-related conditions. This sequence change replaces glycine, which is neutral and non-polar, with serine, which is neutral and polar, at codon 248 of the PIK3CA protein (p.Gly248Ser). This variant is not present in population databases (gnomAD no frequency).

Centre for Mendelian Genomics, University Medical Centre Ljubljana
Classification: Uncertain significance for Corpus callosum, agenesis of; Focal-onset seizure; Gray matter heterotopia; Seizure. Last evaluated: 2017-01-01. Review status: criteria provided, single submitter. Criteria: ACMG Guidelines, 2015. Collection method: clinical testing. Allele origin: unknown. Affected: yes.

NM_006218.4(PIK3CA):c.742G>A (p.Gly248Ser)

Gene: PIK3CA (phosphatidylinositol-4,5-bisphosphate 3-kinase catalytic subunit alpha; plus strand). Cytogenetic location: 3q26.32.
Variant type: single nucleotide variant.
Coding change: c.742G>A on transcript NM_006218.4 (MANE Select); coding-DNA position 742, G replaced by A.
Protein change: p.Gly248Ser; replaces glycine 248 with serine.
Molecular consequence: missense variant.
Genome position (GRCh38, 1-based): chr3:179,201,469, G>A. VCF-style: chr3-179201469-G-A. GRCh37 (hg19) VCF-style: chr3-178919257-G-A.
Other names: c.742G>A (LRG_310t1); short protein forms G248S.
Identifiers: ClinVar variation 523491 (VCV000523491.10), dbSNP rs1553820694, ClinGen allele CA355277790.